The following is an entry in ClinVar:

NM_001142864.4(PIEZO1):c.5553G>A (p.Thr1851=)

Gene: PIEZO1 (piezo type mechanosensitive ion channel component 1 (Er blood group); minus strand). Cytogenetic location: 16q24.3.
Variant type: single nucleotide variant.
Coding change: c.5553G>A on transcript NM_001142864.4 (MANE Select); coding-DNA position 5553, G replaced by A.
Protein change: p.Thr1851=; no amino-acid change (threonine 1851 retained).
Molecular consequence: synonymous variant.
Genome position (GRCh38, 1-based): chr16:88,721,281, C>T on the plus strand (G>A on the coding strand, the complement: PIEZO1 is on the minus strand). VCF-style: chr16-88721281-C-T. GRCh37 (hg19) VCF-style: chr16-88787689-C-T.
Other names: c.4095G>A, p.Thr1365= (NM_014745.1).
Identifiers: ClinVar variation 2646992 (VCV002646992.26), dbSNP rs372984666, ClinGen allele CA8231849.

ClinVar aggregate classification (germline): Likely benign. Review status: criteria provided, multiple submitters, no conflicts (2 of 4 stars). 3 submissions from 3 submitters: Likely benign (3). Last evaluated 2025-03-26.

Allele frequency attached by ClinVar (database versions not stated): ExAC 0.00005; gnomAD 0.00005; TOPMed 0.00005; ESP Exome Variant Server 0.00022.
gnomAD v4.1: 34 of 1,544,510 alleles (0.0022%); highest among the groups gnomAD compares: Middle Eastern, 0.033%; no homozygotes.

Submissions (3):

Labcorp Genetics (formerly Invitae), Labcorp
Classification: Likely benign. Last evaluated: 2025-03-26. Review status: criteria provided, single submitter. Criteria: Invitae Variant Classification Sherloc (09022015). Collection method: clinical testing. Allele origin: germline.

Blueprint Genetics
Classification: Likely benign. Last evaluated: 2024-09-21. Review status: criteria provided, single submitter. Criteria: ACMG Guidelines, 2015. Collection method: clinical testing. Allele origin: germline.

CeGaT Center for Human Genetics Tuebingen
Classification: Likely benign. Last evaluated: 2023-08-01. Review status: criteria provided, single submitter. Criteria: CeGaT Center For Human Genetics Tuebingen Variant Classification Criteria Version 2. Collection method: clinical testing. Allele origin: germline. Affected: yes. Observed: 1 variant allele.
Comment: PIEZO1: BP4, BP7